The following is an entry in ClinVar:

NM_017882.3(CLN6):c.357C>G (p.Ile119Met)

Gene: CLN6 (CLN6 transmembrane ER protein; minus strand). Cytogenetic location: 15q23.
Variant type: single nucleotide variant.
Coding change: c.357C>G on transcript NM_017882.3 (MANE Select); coding-DNA position 357, C replaced by G.
Protein change: p.Ile119Met; replaces isoleucine 119 with methionine.
Molecular consequence: missense variant.
Genome position (GRCh38, 1-based): chr15:68,211,804, G>C on the plus strand (C>G on the coding strand, the complement: CLN6 is on the minus strand). VCF-style: chr15-68211804-G-C. GRCh37 (hg19) VCF-style: chr15-68504142-G-C.
Other names: p.I119M:ATC>ATG; short protein forms I119M.
Identifiers: ClinVar variation 205167 (VCV000205167.2), dbSNP rs141950483, ClinGen allele CA313964.

ClinVar aggregate classification (germline): Uncertain significance (1 of 4 stars; one submission).

Allele frequency attached by ClinVar (database versions not stated): gnomAD exomes below 0.00001 and 0.00001; ExAC 0.00002; gnomAD 0.00003; TOPMed 0.00003; ESP Exome Variant Server 0.00008.
gnomAD v4.1: 6 of 1,613,860 alleles (0.00037%); highest among the groups gnomAD compares: African/African-American, 0.008%; no homozygotes.

Submission:

GeneDx
Classification: Uncertain significance. Last evaluated: 2013-12-09. Review status: criteria provided, single submitter. Criteria: GeneDx Variant Classification (06012015). Collection method: clinical testing. Allele origin: germline. Affected: yes.
Comment: p.Ile119Met (ATC>ATG): c.357 C>G in exon 4 of the CLN6 gene (NM_017882.2). The Ile119Met missense change in the CLN6 gene has not been published as a mutation, nor has it been reported as a benign polymorphism to our knowledge. This variant is a conservative substitution of one uncharged, non-polar amino acid for another at a position that is not conserved across species. In silico analysis predicts this variant is likely benign. However, other missense mutations associated with neuronal ceroid lipofuscinosis have been reported in this region of the protein. Therefore, based on the currently available information, it is unclear whether Ile119Met is a disease-causing mutation or a rare benign variant. The variant is found in CHILD-EPI panel(s).